The following is an entry in ClinVar:

NM_004444.5(EPHB4):c.1406T>G (p.Val469Gly)

Gene: EPHB4 (EPH receptor B4; minus strand). Cytogenetic location: 7q22.1.
Variant type: single nucleotide variant.
Coding change: c.1406T>G on transcript NM_004444.5 (MANE Select); coding-DNA position 1406, T replaced by G.
Protein change: p.Val469Gly; replaces valine 469 with glycine.
Molecular consequence: missense variant.
Genome position (GRCh38, 1-based): chr7:100,818,536, A>C on the plus strand (T>G on the coding strand, the complement: EPHB4 is on the minus strand). VCF-style: chr7-100818536-A-C. GRCh37 (hg19) VCF-style: chr7-100416158-A-C.
Other names: short protein forms V469G.
Identifiers: ClinVar variation 691552 (VCV000691552.1), dbSNP rs1584662591, ClinGen allele CA368573388.

ClinVar aggregate classification (germline): Uncertain significance (1 of 4 stars; one submission).

Conditions:
Capillary malformation-arteriovenous malformation 2 (CMAVM2). Identifiers: Orphanet 693912, MedGen C4748670, MONDO:0020785, OMIM 618196.

Submission:

SIB Swiss Institute of Bioinformatics
Classification: Uncertain significance for Capillary malformation-arteriovenous malformation 2. Last evaluated: 2019-03-29. Review status: criteria provided, single submitter. Criteria: ACMG Guidelines, 2015. Collection method: curation. Allele origin: unknown.
Comment: This variant is interpreted as Uncertain significance for Capillary malformation-arteriovenous malformation 2. The following ACMG Tag(s) were applied: PP3: Multiple lines of computational evidence support a deleterious effect on the gene or gene product. PM2: Absent from controls (or at extremely low frequency if recessive) in Exome Sequencing Project, 1000 Genomes Project, or Exome Aggregation Consortium.

Literature cited by the submitters: PubMed 28687708.